The following is an entry in ClinVar:

NM_004725.4(BUB3):c.930T>C (p.Gly310=)

Gene: BUB3 (BUB3 mitotic checkpoint protein; plus strand). Cytogenetic location: 10q26.13.
Variant type: single nucleotide variant.
Coding change: c.930T>C on transcript NM_004725.4 (MANE Select); coding-DNA position 930, T replaced by C.
Protein change: p.Gly310=; no amino-acid change (glycine 310 retained).
Molecular consequence: synonymous variant.
Genome position (GRCh38, 1-based): chr10:123,162,787, T>C. VCF-style: chr10-123162787-T-C. GRCh37 (hg19) VCF-style: chr10-124922303-T-C.
Other names: c.930T>C, p.Gly310= (NM_001007793.3).
Identifiers: ClinVar variation 2621399 (VCV002621399.4), dbSNP rs762924864, ClinGen allele CA471948655.

ClinVar aggregate classification (germline): Likely benign. Review status: criteria provided, single submitter (1 of 4 stars). 2 submissions from 2 submitters: Likely benign (1). 1 of the submissions does not count toward it. Last evaluated 2023-07-21.

Conditions:
BUB3-related disorder. Also called: BUB3-related condition.

Submissions (2):

Ambry Genetics
Classification: Likely benign. Last evaluated: 2023-07-21. Review status: criteria provided, single submitter. Criteria: Ambry Variant Classification Scheme 2023. Collection method: clinical testing. Allele origin: germline.

PreventionGenetics, part of Exact Sciences
Classification: Likely benign for BUB3-related condition. Last evaluated: 2019-09-04. Review status: no assertion criteria provided. Collection method: clinical testing. Allele origin: germline. Not counted in ClinVar's aggregate classification.
Comment: This variant is classified as likely benign based on ACMG/AMP sequence variant interpretation guidelines (Richards et al. 2015 PMID: 25741868, with internal and published modifications).